The following is an entry in ClinVar:

ClinVar aggregate classification (germline): Conflicting classifications of pathogenicity. Review status: criteria provided, conflicting classifications (1 of 4 stars). 2 submissions from 2 submitters: Uncertain significance (1); Likely benign (1). Last evaluated 2025-04-03.

Allele frequency attached by ClinVar (database versions not stated): ExAC 0.00001.
gnomAD v4.1: 4 of 1,614,052 alleles (0.00025%); highest among the groups gnomAD compares: Middle Eastern, 0.017%; no homozygotes.

Submissions (2):

Ambry Genetics
Classification: Likely benign. Last evaluated: 2025-04-03. Review status: criteria provided, single submitter. Criteria: Ambry Variant Classification Scheme 2023. Collection method: clinical testing. Allele origin: germline.

Labcorp Genetics (formerly Invitae), Labcorp
Classification: Uncertain significance. Last evaluated: 2024-04-10. Review status: criteria provided, single submitter. Criteria: Invitae Variant Classification Sherloc (09022015). Collection method: clinical testing. Allele origin: germline.
Comment: This sequence change replaces aspartic acid, which is acidic and polar, with glutamic acid, which is acidic and polar, at codon 42 of the SPP2 protein (p.Asp42Glu). This variant is present in population databases (rs768201739, gnomAD 0.0009%). This variant has not been reported in the literature in individuals affected with SPP2-related conditions. Algorithms developed to predict the effect of missense changes on protein structure and function output the following: SIFT: "Not Available"; PolyPhen-2: "Benign"; Align-GVGD: "Not Available". The glutamic acid amino acid residue is found in multiple mammalian species, which suggests that this missense change does not adversely affect protein function. In summary, the available evidence is currently insufficient to determine the role of this variant in disease. Therefore, it has been classified as a Variant of Uncertain Significance.

NM_006944.3(SPP2):c.126T>A (p.Asp42Glu)

Gene: SPP2 (secreted phosphoprotein 2; plus strand). Cytogenetic location: 2q37.1.
Variant type: single nucleotide variant.
Coding change: c.126T>A on transcript NM_006944.3 (MANE Select); coding-DNA position 126, T replaced by A.
Protein change: p.Asp42Glu; replaces aspartic acid 42 with glutamic acid.
Molecular consequence: missense variant.
Genome position (GRCh38, 1-based): chr2:234,051,011, T>A. VCF-style: chr2-234051011-T-A. GRCh37 (hg19) VCF-style: chr2-234959655-T-A.
Other names: c.126T>A (NM_006944.2); short protein forms D42E.
Identifiers: ClinVar variation 2988903 (VCV002988903.4), dbSNP rs768201739, ClinGen allele CA2183092.
Genomic context (GRCh38, chr2:234,051,011, plus strand): 5'-CCATGTGCTTGCGTGTCCAGGTTTCCCAGTGTACGACTACGATCCATCCTCCTTAAGGGA[T>A]GCCCTCAGTGCCTCTGTGGTAAAAGTGAATTCCCAGTCACTGAGTCCGTATCTGTTTCGG-3'
Protein context (NP_008875.1, residues 32-52): VYDYDPSSLR[Asp42Glu]ALSASVVKVN